The following is an entry in ClinVar:

NM_005477.3(HCN4):c.3058A>C (p.Thr1020Pro)

Gene: HCN4 (hyperpolarization activated cyclic nucleotide gated potassium channel 4; minus strand). Cytogenetic location: 15q24.1.
Variant type: single nucleotide variant.
Coding change: c.3058A>C on transcript NM_005477.3 (MANE Select); coding-DNA position 3058, A replaced by C.
Protein change: p.Thr1020Pro; replaces threonine 1020 with proline.
Molecular consequence: missense variant.
Genome position (GRCh38, 1-based): chr15:73,323,035, T>G on the plus strand (A>C on the coding strand, the complement: HCN4 is on the minus strand). VCF-style: chr15-73323035-T-G. GRCh37 (hg19) VCF-style: chr15-73615376-T-G.
Other names: short protein forms T1020P.
Identifiers: ClinVar variation 1483171 (VCV001483171.8), dbSNP rs2151214146, ClinGen allele CA393086302.
Genomic context (GRCh38, chr15:73,323,035, plus strand): 5'-TCGGGAAGGTTCTTGGGGGGCCTGGGCTGTGGCCAGGGGGGCTGAGACCTCCTCGGGGAG[T>G]AAAGCCTACAGGGGAAGCCCCCCCAGAGGCCCCTGCCACAAGGGACGGCGGCTCAGGCTG-3'
Protein context (NP_005468.1, residues 1010-1030): ASGGASPVGF[Thr1020Pro]PRGGLSPPGH

ClinVar aggregate classification (germline): Uncertain significance (1 of 4 stars; one submission).

Conditions:
Brugada syndrome 8 (BRGDA8). Identifiers: Orphanet 130, MedGen C2751083, MONDO:0013148, OMIM 613123.

Submission:

Labcorp Genetics (formerly Invitae), Labcorp
Classification: Uncertain significance for Brugada syndrome 8. Last evaluated: 2021-02-21. Review status: criteria provided, single submitter. Criteria: Invitae Variant Classification Sherloc (09022015). Collection method: clinical testing. Allele origin: germline.
Comment: In summary, the available evidence is currently insufficient to determine the role of this variant in disease. Therefore, it has been classified as a Variant of Uncertain Significance. Advanced modeling of protein sequence and biophysical properties (such as structural, functional, and spatial information, amino acid conservation, physicochemical variation, residue mobility, and thermodynamic stability) performed at Invitae indicates that this missense variant is not expected to disrupt HCN4 protein function. This variant has not been reported in the literature in individuals with HCN4-related conditions. The frequency data for this variant in the population databases is considered unreliable, as metrics indicate insufficient coverage at this position in the ExAC database. This sequence change replaces threonine with proline at codon 1020 of the HCN4 protein (p.Thr1020Pro). The threonine residue is highly conserved and there is a small physicochemical difference between threonine and proline.